The following is an entry in ClinVar:

ClinVar aggregate classification (germline): Uncertain significance (1 of 4 stars; one submission).

gnomAD v4.1: 12 of 1,614,222 alleles (0.00074%); highest among the groups gnomAD compares: Non-Finnish European, 0.001%; no homozygotes.

Submission:

Labcorp Genetics (formerly Invitae), Labcorp
Classification: Uncertain significance. Last evaluated: 2024-06-16. Review status: criteria provided, single submitter. Criteria: Invitae Variant Classification Sherloc (09022015). Collection method: clinical testing. Allele origin: germline.
Comment: This sequence change replaces glutamine, which is neutral and polar, with glutamic acid, which is acidic and polar, at codon 102 of the ANKZF1 protein (p.Gln102Glu). This variant is present in population databases (no rsID available, gnomAD 0.0009%). This variant has not been reported in the literature in individuals affected with ANKZF1-related conditions. An algorithm developed to predict the effect of missense changes on protein structure and function (PolyPhen-2) suggests that this variant is likely to be disruptive. In summary, the available evidence is currently insufficient to determine the role of this variant in disease. Therefore, it has been classified as a Variant of Uncertain Significance.

NM_018089.3(ANKZF1):c.304C>G (p.Gln102Glu)

Gene: ANKZF1 (ankyrin repeat and zinc finger peptidyl tRNA hydrolase 1; plus strand). Cytogenetic location: 2q35.
Variant type: single nucleotide variant.
Coding change: c.304C>G on transcript NM_018089.3 (MANE Select); coding-DNA position 304, C replaced by G.
Protein change: p.Gln102Glu; replaces glutamine 102 with glutamic acid.
Molecular consequence: missense variant. On other transcripts: intron variant (1).
Genome position (GRCh38, 1-based): chr2:219,232,302, C>G. VCF-style: chr2-219232302-C-G. GRCh37 (hg19) VCF-style: chr2-220097024-C-G.
Other names: c.304C>G, p.Gln102Glu (NM_001042410.2); c.-266-188C>G (NM_001282792.2); short protein forms Q102E.
Identifiers: ClinVar variation 3698322 (VCV003698322.2).